The following is an entry in ClinVar:

ClinVar aggregate classification (germline): Uncertain significance (1 of 4 stars; one submission).

Conditions:
Predisposition to invasive fungal disease due to CARD9 deficiency (IMD103). Also called: Candidiasis, familial, 2, autosomal recessive; IMMUNODEFICIENCY 103, SUSCEPTIBILITY TO FUNGAL INFECTIONS; CARD9 IMMUNODEFICIENCY. Identifiers: Orphanet 457088, MedGen C1859353, MONDO:0008905, OMIM 212050.

Allele frequency attached by ClinVar (database versions not stated): gnomAD exomes below 0.00001; TOPMed 0.00001.

Submission:

Labcorp Genetics (formerly Invitae), Labcorp
Classification: Uncertain significance for Predisposition to invasive fungal disease due to CARD9 deficiency. Last evaluated: 2021-11-08. Review status: criteria provided, single submitter. Criteria: Invitae Variant Classification Sherloc (09022015). Collection method: clinical testing. Allele origin: germline.
Comment: This sequence change replaces asparagine, which is neutral and polar, with serine, which is neutral and polar, at codon 299 of the CARD9 protein (p.Asn299Ser). This variant is present in population databases (rs751849304, gnomAD 0.0009%). This variant has not been reported in the literature in individuals affected with CARD9-related conditions. Algorithms developed to predict the effect of missense changes on protein structure and function output the following: SIFT: "Tolerated"; PolyPhen-2: "Benign"; Align-GVGD: "Class C0". The serine amino acid residue is found in multiple mammalian species, which suggests that this missense change does not adversely affect protein function. In summary, the available evidence is currently insufficient to determine the role of this variant in disease. Therefore, it has been classified as a Variant of Uncertain Significance.

NM_052813.5(CARD9):c.896A>G (p.Asn299Ser)

Gene: CARD9 (caspase recruitment domain family member 9; minus strand). Cytogenetic location: 9q34.3.
Variant type: single nucleotide variant.
Coding change: c.896A>G on transcript NM_052813.5 (MANE Select); coding-DNA position 896, A replaced by G.
Protein change: p.Asn299Ser; replaces asparagine 299 with serine.
Molecular consequence: missense variant.
Genome position (GRCh38, 1-based): chr9:136,370,349, T>C on the plus strand (A>G on the coding strand, the complement: CARD9 is on the minus strand). VCF-style: chr9-136370349-T-C. GRCh37 (hg19) VCF-style: chr9-139264801-T-C.
Other names: c.896A>G, p.Asn299Ser (NM_052814.4); short protein forms N299S.
Identifiers: ClinVar variation 1447570 (VCV001447570.6), dbSNP rs751849304, ClinGen allele CA5332941.